The following is an entry in ClinVar:

ClinVar aggregate classification (germline): Likely pathogenic (1 of 4 stars; one submission).

Conditions:
Hereditary spherocytosis type 2. Also called: SPHEROCYTOSIS, TYPE 2, AUTOSOMAL DOMINANT. Identifiers: Orphanet 822, MedGen C2674219, MONDO:0000913, OMIM 616649.

Submission:

Neuberg Centre For Genomic Medicine, NCGM
Classification: Likely pathogenic for Hereditary spherocytosis type 2. Review status: criteria provided, single submitter. Criteria: ACMG Guidelines, 2015. Collection method: clinical testing. Allele origin: germline. Inheritance: Autosomal dominant inheritance. Affected: yes.
Comment: The frameshift deletion p.Q1036Kfs*92 in SPTB (NM_001355436.2) has not been reported previously as a pathogenic variant nor as a benign variant, to our knowledge. The p.Q1036Kfs*92 variant is novel (not in any individuals) in gnomAD Exomes and is novel (not in any individuals) in 1000 Genomes. This variant is predicted to cause loss of normal protein function through protein truncation. Loss of function variants have been previously reported to be disease causing. For these reasons, this variant has been classified as Likely Pathogenic.

NM_001355436.2(SPTB):c.3106del (p.Gln1036fs)

Gene: SPTB (spectrin beta, erythrocytic; minus strand). Cytogenetic location: 14q23.3.
Variant type: Deletion.
Coding change: c.3106del on transcript NM_001355436.2 (MANE Select); coding-DNA position 3106, one base deleted (C; older notation c.3106delC).
Protein change: p.Gln1036fs; shifts the reading frame from glutamine 1036.
Molecular consequence: frameshift variant.
Genome position (GRCh38, 1-based): chr14:64,786,859, G deleted on the plus strand (C on the coding strand, the reverse complement: SPTB is on the minus strand). VCF-style (leftmost placement, unchanged base first): chr14-64786858-TG-T. GRCh37 (hg19) VCF-style: chr14-65253576-TG-T.
Other names: NM_000347.5:c.3106delC; c.3106del, p.Gln1036fs (NM_001024858.4, NM_001355437.2); short protein forms Q1036fs.
Identifiers: ClinVar variation 2627525 (VCV002627525.1), dbSNP rs2503130437, ClinGen allele CA2582341759.